The following is an entry in ClinVar:

NM_001326342.2(CELF2):c.967A>T (p.Thr323Ser)

Gene: CELF2 (CUGBP Elav-like family member 2; plus strand). Cytogenetic location: 10p14.
Variant type: single nucleotide variant.
Coding change: c.967A>T on transcript NM_001326342.2 (MANE Select); coding-DNA position 967, A replaced by T.
Protein change: p.Thr323Ser; replaces threonine 323 with serine.
Molecular consequence: missense variant.
Genome position (GRCh38, 1-based): chr10:11,288,543, A>T. VCF-style: chr10-11288543-A-T. GRCh37 (hg19) VCF-style: chr10-11330506-A-T.
Other names: c.874A>T, p.Thr292Ser (NM_001025076.2, NM_001083591.1, NM_001326317.2 and 15 more transcripts); c.946A>T, p.Thr316Ser (NM_001025077.3, NM_001326331.2, NM_001326332.2 and 4 more transcripts); c.1039A>T, p.Thr347Ser (NM_001326325.2); c.982A>T, p.Thr328Ser (NM_001326326.2, NM_001326327.2); c.262A>T, p.Thr88Ser (NM_001326333.2, NM_001326346.2); c.613A>T, p.Thr205Ser (NM_001326338.2, NM_001326339.2); c.967A>T, p.Thr323Ser (NM_001326340.2, NM_001326341.2, NM_001326343.2 and 4 more transcripts); c.898A>T, p.Thr300Ser (NM_001326347.1); short protein forms T205S, T292S, T300S, T316S, T323S, T328S, T347S, T88S.
Identifiers: ClinVar variation 3367416 (VCV003367416.2).

ClinVar aggregate classification (germline): Uncertain significance (1 of 4 stars; one submission).

Submission:

GeneDx
Classification: Uncertain significance. Last evaluated: 2026-01-29. Review status: criteria provided, single submitter. Criteria: GeneDx Variant Classification Process June 2021. Collection method: clinical testing. Allele origin: germline.
Comment: Not observed at significant frequency in large population cohorts (gnomAD); In silico analysis supports that this missense variant does not alter protein structure/function; Has not been previously published as pathogenic or benign to our knowledge